The following is an entry in ClinVar:

ClinVar aggregate classification (germline): Likely benign (1 of 4 stars; one submission).

Conditions:
NRP1-related disorder. Also called: NRP1-related condition.

gnomAD v4.1: 6 of 1,586,938 alleles (0.00038%); highest among the groups gnomAD compares: Non-Finnish European, 0.00043%; no homozygotes.

Submission:

PreventionGenetics, part of Exact Sciences
Classification: Likely benign for NRP1-related condition. Last evaluated: 2026-03-31. Review status: criteria provided, single submitter. Criteria: ACMG Guidelines, 2015. Collection method: clinical testing. Allele origin: germline.
Comment: This variant is classified as likely benign based on ACMG/AMP sequence variant interpretation guidelines (Richards et al. 2015 PMID: 25741868, with internal and published modifications).

NM_003873.7(NRP1):c.1924+16C>T

Gene: NRP1 (neuropilin 1; minus strand). Cytogenetic location: 10p11.22.
Variant type: single nucleotide variant.
Coding change: c.1924+16C>T on transcript NM_003873.7 (MANE Select); 16 bases into the intron after coding-DNA position 1924, C replaced by T.
Molecular consequence: intron variant. On other transcripts: 3 prime UTR variant (2).
Genome position (GRCh38, 1-based): chr10:33,197,634, G>A on the plus strand (C>T on the coding strand, the complement: NRP1 is on the minus strand). VCF-style: chr10-33197634-G-A. GRCh37 (hg19) VCF-style: chr10-33486562-G-A.
Other names: c.*5C>T (NM_001024628.3, NM_001024629.3); c.1903+16C>T (NM_001244973.2, NM_001244972.2); c.1924+16C>T (NM_001330068.2).
Identifiers: ClinVar variation 4993093 (VCV004993093.1).
Genomic context (GRCh38, chr10:33,197,634, plus strand): 5'-ACTGAAAGCGAGGAGCGCAGCCGCGGAGAGAAGAGAGGTACATGGAATCTGTCACATTTC[G>A]TATTTTATTTGATACCTGATTGTATGGTGCTGTCTATGACCGTGGGCTTTTCTGTGGCCA-3'